The following is an entry in ClinVar:

NM_000836.4(GRIN2D):c.274A>G (p.Asn92Asp)

Gene: GRIN2D (glutamate ionotropic receptor NMDA type subunit 2D; plus strand). Cytogenetic location: 19q13.33.
Variant type: single nucleotide variant.
Coding change: c.274A>G on transcript NM_000836.4 (MANE Select); coding-DNA position 274, A replaced by G.
Protein change: p.Asn92Asp; replaces asparagine 92 with aspartic acid.
Molecular consequence: missense variant.
Genome position (GRCh38, 1-based): chr19:48,398,666, A>G. VCF-style: chr19-48398666-A-G. GRCh37 (hg19) VCF-style: chr19-48901923-A-G.
Other names: short protein forms N92D.
Identifiers: ClinVar variation 1720786 (VCV001720786.5), dbSNP rs2516062319, ClinGen allele CA406688773.

ClinVar aggregate classification (germline): Uncertain significance (1 of 4 stars; one submission).

Submission:

Labcorp Genetics (formerly Invitae), Labcorp
Classification: Uncertain significance. Last evaluated: 2022-10-01. Review status: criteria provided, single submitter. Criteria: Invitae Variant Classification Sherloc (09022015). Collection method: clinical testing. Allele origin: germline.
Comment: This variant has not been reported in the literature in individuals affected with GRIN2D-related conditions. In summary, the available evidence is currently insufficient to determine the role of this variant in disease. Therefore, it has been classified as a Variant of Uncertain Significance. Advanced modeling of protein sequence and biophysical properties (such as structural, functional, and spatial information, amino acid conservation, physicochemical variation, residue mobility, and thermodynamic stability) performed at Invitae indicates that this missense variant is not expected to disrupt GRIN2D protein function. This variant is not present in population databases (gnomAD no frequency). This sequence change replaces asparagine, which is neutral and polar, with aspartic acid, which is acidic and polar, at codon 92 of the GRIN2D protein (p.Asn92Asp).